The following is an entry in ClinVar:

ClinVar aggregate classification (germline): Pathogenic/Likely pathogenic. Review status: criteria provided, multiple submitters, no conflicts (2 of 4 stars). 3 submissions from 3 submitters: Pathogenic (1); Likely pathogenic (2). Last evaluated 2024-05-31.

Conditions:
Mucopolysaccharidosis, MPS-III-A (MPS3A). Also called: HEPARAN SULFATE SULFATASE DEFICIENCY; SANFILIPPO SYNDROME A; SULFAMIDASE DEFICIENCY; MPS III A; MPS IIIA (Sanfilippo Syndrome Type A); Mucopolysaccharidosis type IIIA (Sanfilippo A). Identifiers: Orphanet 581, Orphanet 79269, MedGen C0086647, MONDO:0009655, OMIM 252900.

Submissions (3):

Fulgent Genetics
Classification: Likely pathogenic for Mucopolysaccharidosis, MPS-III-A. Last evaluated: 2024-05-31. Review status: criteria provided, single submitter. Criteria: ACMG Guidelines, 2015. Collection method: clinical testing. Allele origin: germline.

Baylor Genetics
Classification: Likely pathogenic for Mucopolysaccharidosis, MPS-III-A. Last evaluated: 2024-03-13. Review status: criteria provided, single submitter. Criteria: ACMG Guidelines, 2015. Collection method: clinical testing. Allele origin: unknown.

Labcorp Genetics (formerly Invitae), Labcorp
Classification: Pathogenic for Mucopolysaccharidosis, MPS-III-A. Last evaluated: 2024-02-07. Review status: criteria provided, single submitter. Criteria: Invitae Variant Classification Sherloc (09022015). Collection method: clinical testing. Allele origin: germline.
Comment: This sequence change creates a premature translational stop signal (p.Lys303Asnfs*11) in the SGSH gene. While this is not anticipated to result in nonsense mediated decay, it is expected to disrupt the last 200 amino acid(s) of the SGSH protein. This variant is present in population databases (rs775136193, gnomAD 0.0009%). This variant has not been reported in the literature in individuals affected with SGSH-related conditions. ClinVar contains an entry for this variant (Variation ID: 1437845). This variant disrupts a region of the SGSH protein in which other variant(s) (p.Trp479*) have been determined to be pathogenic (PMID: 21204211). This suggests that this is a clinically significant region of the protein, and that variants that disrupt it are likely to be disease-causing. For these reasons, this variant has been classified as Pathogenic.

Literature cited by the submitters: PubMed 21204211 (cited by Labcorp Genetics (formerly Invitae), Labcorp).

NM_000199.5(SGSH):c.909del (p.Lys303fs)

Gene: SGSH (N-sulfoglucosamine sulfohydrolase; minus strand). Cytogenetic location: 17q25.3.
Variant type: Deletion.
Coding change: c.909del on transcript NM_000199.5 (MANE Select); coding-DNA position 909, one base deleted (A; older notation c.909delA).
Protein change: p.Lys303fs; shifts the reading frame from lysine 303.
Molecular consequence: frameshift variant. On other transcripts: non-coding transcript variant (1).
Genome position (GRCh38, 1-based): chr17:80,212,111, T deleted on the plus strand (A on the coding strand, the reverse complement: SGSH is on the minus strand); the first of 4 consecutive T bases (chr17:80,212,111-80,212,114); deleting any one gives the same sequence. VCF-style (leftmost placement, unchanged base first): chr17-80212110-GT-G. GRCh37 (hg19) VCF-style: chr17-78185909-GT-G.
Other names: c.909del, p.Lys303fs (NM_001352921.3, NM_001352922.2); short protein forms K303fs.
Identifiers: ClinVar variation 1437845 (VCV001437845.11), dbSNP rs775136193, ClinGen allele CA8817755.
Genomic context (GRCh38, chr17:80,212,110, plus strand): 5'-CGGAGACAGACAAAGGCATACCTAGGAGGCTCACGTAGGCCTCGCTGACTTGGCCCCAGC[GT>G]TTTGGGTGCTCCGGGGATGACACCAGTAAGGGTTCAGCAGTGCCCGGCCAGTACAGGTTG-3'